The following is an entry in ClinVar:

NM_012092.4(ICOS):c.586+2T>A

Gene: ICOS (inducible T cell costimulator; plus strand). Cytogenetic location: 2q33.2.
Variant type: single nucleotide variant.
Coding change: c.586+2T>A on transcript NM_012092.4 (MANE Select); the canonical splice donor site of the intron after coding-DNA position 586, T replaced by A.
Molecular consequence: splice donor variant.
Genome position (GRCh38, 1-based): chr2:203,957,885, T>A. VCF-style: chr2-203957885-T-A. GRCh37 (hg19) VCF-style: chr2-204822608-T-A.
Identifiers: ClinVar variation 571971 (VCV000571971.9), dbSNP rs1559036416, ClinGen allele CA350140772.

ClinVar aggregate classification (germline): Uncertain significance (1 of 4 stars; one submission).

Conditions:
Immunodeficiency, common variable, 1. Also called: ANTIBODY DEFICIENCY DUE TO ICOS DEFECT. Identifiers: Orphanet 1572, Orphanet 695183, MedGen C3149378, MONDO:0011864, OMIM 607594.

Submission:

Labcorp Genetics (formerly Invitae), Labcorp
Classification: Uncertain significance for Immunodeficiency, common variable, 1. Last evaluated: 2019-11-01. Review status: criteria provided, single submitter. Criteria: Invitae Variant Classification Sherloc (09022015). Collection method: clinical testing. Allele origin: germline.
Comment: This variant is not present in population databases (ExAC no frequency). This variant has not been reported in the literature in individuals with ICOS-related disease. Nucleotide substitutions within the consensus splice site are a relatively common cause of aberrant splicing (PMID: 17576681, 9536098). Algorithms developed to predict the effect of sequence changes on RNA splicing suggest that this variant may disrupt the consensus splice site, but this prediction has not been confirmed by published transcriptional studies. In summary, the available evidence is currently insufficient to determine the role of this variant in disease. Therefore, it has been classified as a Variant of Uncertain Significance. This sequence change affects a donor splice site in the last intron (intron 4) of the ICOS gene. While this is not anticipated to result in nonsense mediated decay, it likely alters RNA splicing and results in a disrupted protein product.

Literature cited by the submitters: PubMed 17576681; PubMed 9536098.